The following is an entry in ClinVar:

ClinVar aggregate classification (germline): Uncertain significance (1 of 4 stars; one submission).

Conditions:
Nicolaides-Baraitser syndrome (NCBRS). Also called: SMARCA2-Related Nicolaides-Baraitser Syndrome; Intellectual disability-sparse hair-brachydactyly syndrome. Identifiers: Orphanet 3051, MedGen C1303073, MONDO:0011053, OMIM 601358.

Allele frequency attached by ClinVar (database versions not stated): TOPMed below 0.00001; gnomAD 0.00001; gnomAD exomes 0.00001.
gnomAD v4.1: 11 of 1,609,142 alleles (0.00068%); highest among the groups gnomAD compares: Admixed American, 0.0017%; no homozygotes.

Submission:

Baylor Genetics
Classification: Uncertain significance for Nicolaides-Baraitser syndrome. Last evaluated: 2018-01-24. Review status: criteria provided, single submitter. Criteria: ACMG Guidelines, 2015. Collection method: clinical testing. Allele origin: maternal. Affected: yes.
Comment: This variant was determined to be of uncertain significance according to ACMG Guidelines, 2015 [PMID:25741868].

NM_003070.5(SMARCA2):c.4765G>C (p.Asp1589His)

Gene: SMARCA2 (SWI/SNF related BAF chromatin remodeling complex subunit ATPase 2; plus strand). Cytogenetic location: 9p24.3.
Variant type: single nucleotide variant.
Coding change: c.4765G>C on transcript NM_003070.5 (MANE Select); coding-DNA position 4765, G replaced by C.
Protein change: p.Asp1589His; replaces aspartic acid 1589 with histidine.
Molecular consequence: missense variant.
Genome position (GRCh38, 1-based): chr9:2,192,731, G>C. VCF-style: chr9-2192731-G-C. GRCh37 (hg19) VCF-style: chr9-2192731-G-C.
Other names: c.4765G>C, p.Asp1589His (NM_001289396.2); c.4537G>C, p.Asp1513His (NM_001289397.2); c.739G>C, p.Asp247His (NM_001289398.2); c.823G>C, p.Asp275His (NM_001289399.2); c.829G>C, p.Asp277His (NM_001289400.2); c.4711G>C, p.Asp1571His (NM_139045.4); short protein forms D1589H, D275H, D1571H, D247H, D1513H, D277H.
Identifiers: ClinVar variation 1032871 (VCV001032871.1), dbSNP rs1380500654, ClinGen allele CA372793287.